The following is an entry in ClinVar:

NM_003835.4(RGS9):c.1189A>G (p.Met397Val)

Gene: RGS9 (regulator of G protein signaling 9; plus strand). Cytogenetic location: 17q24.1.
Variant type: single nucleotide variant.
Coding change: c.1189A>G on transcript NM_003835.4 (MANE Select); coding-DNA position 1189, A replaced by G.
Protein change: p.Met397Val; replaces methionine 397 with valine.
Molecular consequence: missense variant.
Genome position (GRCh38, 1-based): chr17:65,204,287, A>G. VCF-style: chr17-65204287-A-G. GRCh37 (hg19) VCF-style: chr17-63200405-A-G.
Other names: c.1180A>G, p.Met394Val (NM_001081955.3, NM_001165933.2); short protein forms M397V, M394V.
Identifiers: ClinVar variation 936147 (VCV000936147.7), dbSNP rs1912964271, ClinGen allele CA400670498.
Genomic context (GRCh38, chr17:65,204,287, plus strand): 5'-GTGAAGGGGCTGAAGCACCCCCACCGCTATGTGCTGGACGCCGCACAAACCCACATTTAC[A>G]TGCTCATGAAGAAGGTAGGTGGGTCCGTGCTGTGGATACGGGGTCCAGATAGGCTTTCTG-3'
Protein context (NP_003826.2, residues 387-407): VLDAAQTHIY[Met397Val]LMKKDSYARY

ClinVar aggregate classification (germline): Uncertain significance (1 of 4 stars; one submission).

Allele frequency attached by ClinVar (database versions not stated): gnomAD exomes below 0.00001.
gnomAD v4.1: 2 of 1,613,868 alleles (0.00012%); highest among the groups gnomAD compares: East Asian, 0.0022%; no homozygotes.

Submission:

Labcorp Genetics (formerly Invitae), Labcorp
Classification: Uncertain significance. Last evaluated: 2022-07-12. Review status: criteria provided, single submitter. Criteria: Invitae Variant Classification Sherloc (09022015). Collection method: clinical testing. Allele origin: germline.
Comment: In summary, the available evidence is currently insufficient to determine the role of this variant in disease. Therefore, it has been classified as a Variant of Uncertain Significance. Algorithms developed to predict the effect of missense changes on protein structure and function are either unavailable or do not agree on the potential impact of this missense change (SIFT: "Deleterious"; PolyPhen-2: "Possibly Damaging"; Align-GVGD: "Class C15"). ClinVar contains an entry for this variant (Variation ID: 936147). This variant has not been reported in the literature in individuals affected with RGS9-related conditions. This variant is not present in population databases (gnomAD no frequency). This sequence change replaces methionine, which is neutral and non-polar, with valine, which is neutral and non-polar, at codon 397 of the RGS9 protein (p.Met397Val).